The following is an entry in ClinVar:

ClinVar aggregate classification (germline): Uncertain significance. Review status: criteria provided, multiple submitters, no conflicts (2 of 4 stars). 2 submissions from 2 submitters: Uncertain significance (2). Last evaluated 2024-08-20.

Conditions:
Primary immunodeficiency with post-measles-mumps-rubella vaccine viral infection. Also called: Immunodeficiency 44. Identifiers: Orphanet 431166, MedGen C4225260, MONDO:0014715, OMIM 616636.

Allele frequency attached by ClinVar (database versions not stated): gnomAD exomes below 0.00001; gnomAD 0.00001; TOPMed 0.00002.
gnomAD v4.1: 3 of 1,614,086 alleles (0.00019%); highest among the groups gnomAD compares: African/African-American, 0.004%; no homozygotes.

Submissions (2):

GeneDx
Classification: Uncertain significance. Last evaluated: 2024-08-20. Review status: criteria provided, single submitter. Criteria: GeneDx Variant Classification Process June 2021. Collection method: clinical testing. Allele origin: germline. Affected: yes.
Comment: Not observed at significant frequency in large population cohorts (gnomAD); In silico analysis indicates that this missense variant does not alter protein structure/function; Has not been previously published as pathogenic or benign to our knowledge

Labcorp Genetics (formerly Invitae), Labcorp
Classification: Uncertain significance for Primary immunodeficiency with post-measles-mumps-rubella vaccine viral infection. Last evaluated: 2022-07-22. Review status: criteria provided, single submitter. Criteria: Invitae Variant Classification Sherloc (09022015). Collection method: clinical testing. Allele origin: germline.
Comment: This sequence change replaces valine, which is neutral and non-polar, with isoleucine, which is neutral and non-polar, at codon 782 of the STAT2 protein (p.Val782Ile). This variant is present in population databases (no rsID available, gnomAD 0.01%). This variant has not been reported in the literature in individuals affected with STAT2-related conditions. Advanced modeling of protein sequence and biophysical properties (such as structural, functional, and spatial information, amino acid conservation, physicochemical variation, residue mobility, and thermodynamic stability) performed at Invitae indicates that this missense variant is not expected to disrupt STAT2 protein function. In summary, the available evidence is currently insufficient to determine the role of this variant in disease. Therefore, it has been classified as a Variant of Uncertain Significance.

NM_005419.4(STAT2):c.2344G>A (p.Val782Ile)

Gene: STAT2 (signal transducer and activator of transcription 2; minus strand). Cytogenetic location: 12q13.3.
Variant type: single nucleotide variant.
Coding change: c.2344G>A on transcript NM_005419.4 (MANE Select); coding-DNA position 2344, G replaced by A.
Protein change: p.Val782Ile; replaces valine 782 with isoleucine.
Molecular consequence: missense variant.
Genome position (GRCh38, 1-based): chr12:56,343,894, C>T on the plus strand (G>A on the coding strand, the complement: STAT2 is on the minus strand). VCF-style: chr12-56343894-C-T. GRCh37 (hg19) VCF-style: chr12-56737678-C-T.
Other names: c.2311G>A, p.Val771Ile (NM_001385110.1); c.2245G>A, p.Val749Ile (NM_001385111.1); c.2344G>A, p.Val782Ile (NM_001385113.1); c.2323G>A, p.Val775Ile (NM_001385114.1); c.2302G>A, p.Val768Ile (NM_001385115.1); c.2332G>A, p.Val778Ile (NM_198332.2); c.2344G>A (NM_005419.3); short protein forms V749I, V768I, V775I, V782I, V771I, V778I.
Identifiers: ClinVar variation 1961758 (VCV001961758.4), dbSNP rs1469214235, ClinGen allele CA385258833.
Genomic context (GRCh38, chr12:56,343,894, plus strand): 5'-GCTCAGTGTTCAAATGTCTCAGATCACAGGGCAAATCTGGCTCTGGCACTGGCTGTGATA[C>T]AGGTCCTTGGTCTGGCTCTGGCACTGTTTGTGATACCATGCATAGTGTGGGCTCTATCAC-3'
Protein context (NP_005410.1, residues 772-792): QTVPEPDQGP[Val782Ile]SQPVPEPDLP